The following is an entry in ClinVar:

NM_001940.4(ATN1):c.824C>T (p.Pro275Leu)

Gene: ATN1 (atrophin 1; plus strand). Cytogenetic location: 12p13.31.
Variant type: single nucleotide variant.
Coding change: c.824C>T on transcript NM_001940.4 (MANE Select); coding-DNA position 824, C replaced by T.
Protein change: p.Pro275Leu; replaces proline 275 with leucine.
Molecular consequence: missense variant.
Genome position (GRCh38, 1-based): chr12:6,936,091, C>T. VCF-style: chr12-6936091-C-T. GRCh37 (hg19) VCF-style: chr12-7045254-C-T.
Other names: c.824C>T, p.Pro275Leu (NM_001007026.2); short protein forms P275L.
Identifiers: ClinVar variation 2278575 (VCV002278575.31), dbSNP rs201165264, ClinGen allele CA6420458.

ClinVar aggregate classification (germline): Likely benign. Review status: criteria provided, multiple submitters, no conflicts (2 of 4 stars). 5 submissions from 5 submitters: Likely benign (4). 1 of the submissions does not count toward it. Last evaluated 2025-01-13.

Conditions:
ATN1-related disorder. Also called: ATN1-related condition; ATN1-related disorders.
Inborn genetic diseases. Identifiers: MedGen C0950123, MeSH D030342.

Allele frequency attached by ClinVar (database versions not stated): ESP Exome Variant Server 0.00031; TOPMed 0.00042; gnomAD 0.00045; gnomAD exomes 0.00045; ExAC 0.00054.
gnomAD v4.1: 709 of 1,527,700 alleles (0.046%); highest among the groups gnomAD compares: South Asian, 0.14%; 2 homozygotes.

Submissions (5):

Revvity Omics, Revvity
Classification: Likely benign. Last evaluated: 2025-01-13. Review status: criteria provided, single submitter. Criteria: ACMG Guidelines, 2015. Collection method: clinical testing. Allele origin: germline.

Blueprint Genetics
Classification: Likely benign. Last evaluated: 2024-10-18. Review status: criteria provided, single submitter. Criteria: ACMG Guidelines, 2015. Collection method: clinical testing. Allele origin: germline.

CeGaT Center for Human Genetics Tuebingen
Classification: Likely benign. Last evaluated: 2023-09-01. Review status: criteria provided, single submitter. Criteria: CeGaT Center For Human Genetics Tuebingen Variant Classification Criteria Version 2. Collection method: clinical testing. Allele origin: germline. Affected: yes. Observed: 1 variant allele.
Comment: ATN1: BP4, BS2

Ambry Genetics
Classification: Likely benign for Inborn genetic diseases. Last evaluated: 2021-09-14. Review status: criteria provided, single submitter. Criteria: Ambry Variant Classification Scheme 2023. Collection method: clinical testing. Allele origin: germline.

PreventionGenetics, part of Exact Sciences
Classification: Likely benign for ATN1-related condition. Last evaluated: 2022-12-13. Review status: no assertion criteria provided. Collection method: clinical testing. Allele origin: germline. Not counted in ClinVar's aggregate classification.
Comment: This variant is classified as likely benign based on ACMG/AMP sequence variant interpretation guidelines (Richards et al. 2015 PMID: 25741868, with internal and published modifications).